The following is an entry in ClinVar:

NM_130384.3(ATRIP):c.638A>G (p.Asn213Ser)

Genes: ATRIP (ATR interacting protein; plus strand), ATRIP-TREX1 (ATRIP-TREX1 readthrough; plus strand). Cytogenetic location: 3p21.31.
Variant type: single nucleotide variant.
Coding change: c.638A>G on transcript NM_130384.3 (MANE Select); coding-DNA position 638, A replaced by G.
Protein change: p.Asn213Ser; replaces asparagine 213 with serine.
Molecular consequence: missense variant. On other transcripts: non-coding transcript variant (1).
Genome position (GRCh38, 1-based): chr3:48,454,385, A>G. VCF-style: chr3-48454385-A-G. GRCh37 (hg19) VCF-style: chr3-48495785-A-G.
Other names: c.257A>G, p.Asn86Ser (NM_001271022.2); c.359A>G, p.Asn120Ser (NM_001271023.2); c.638A>G, p.Asn213Ser (NM_032166.4); short protein forms N86S, N120S, N213S.
Identifiers: ClinVar variation 4181915 (VCV004181915.1).

ClinVar aggregate classification (germline): Uncertain significance (1 of 4 stars; one submission).

Submission:

Ambry Genetics
Classification: Uncertain significance. Last evaluated: 2025-06-27. Review status: criteria provided, single submitter. Criteria: Ambry Variant Classification Scheme 2023. Collection method: clinical testing. Allele origin: germline.
Comment: The p.N213S variant (also known as c.638A>G), located in coding exon 4 of the ATRIP gene, results from an A to G substitution at nucleotide position 638. The asparagine at codon 213 is replaced by serine, an amino acid with highly similar properties. This amino acid position is conserved. In addition, this alteration is predicted to be tolerated by in silico analysis. Based on the available evidence, the clinical significance of this variant remains unclear.